The following is an entry in ClinVar:

ClinVar aggregate classification (germline): Pathogenic/Likely pathogenic. Review status: criteria provided, multiple submitters, no conflicts (2 of 4 stars). 3 submissions from 3 submitters: Pathogenic (2); Likely pathogenic (1). Last evaluated 2026-03-26.

Conditions:
Spastic paraplegia. Identifiers: MedGen C0037772, HP:0001258.

Submissions (3):

GeneDx
Classification: Likely pathogenic. Last evaluated: 2026-03-26. Review status: criteria provided, single submitter. Criteria: GeneDx Variant Classification Process June 2021. Collection method: clinical testing. Allele origin: germline.
Comment: Frameshift variant predicted to result in protein truncation or nonsense mediated decay in a gene for which loss of function is a known mechanism of disease; Not observed at significant frequency in large population cohorts (gnomAD); Observed as heterozygous in a patient with hereditary spastic paraplegia (HSP) in published literature (PMID: 21623769); This variant is associated with the following publications: (PMID: 21623769)

Labcorp Genetics (formerly Invitae), Labcorp
Classification: Pathogenic for Spastic paraplegia. Last evaluated: 2023-10-25. Review status: criteria provided, single submitter. Criteria: Invitae Variant Classification Sherloc (09022015). Collection method: clinical testing. Allele origin: germline.
Comment: This sequence change creates a premature translational stop signal (p.Glu211Lysfs*3) in the CYP7B1 gene. It is expected to result in an absent or disrupted protein product. Loss-of-function variants in CYP7B1 are known to be pathogenic (PMID: 9802883, 19363635, 19439420, 21541746, 21567895, 28039895). This variant is not present in population databases (gnomAD no frequency). This premature translational stop signal has been observed in individual(s) with spastic paraplegia (PMID: 21623769). ClinVar contains an entry for this variant (Variation ID: 872423). For these reasons, this variant has been classified as Pathogenic.

CeGaT Center for Human Genetics Tuebingen
Classification: Pathogenic. Last evaluated: 2018-09-01. Review status: criteria provided, single submitter. Criteria: CeGaT Center For Human Genetics Tuebingen Variant Classification Criteria Version 2. Collection method: clinical testing. Allele origin: germline. Affected: yes. Observed: 1 variant allele.

Literature cited by the submitters: PubMed 9802883 (cited by Labcorp Genetics (formerly Invitae), Labcorp); PubMed 19363635 (cited by Labcorp Genetics (formerly Invitae), Labcorp); PubMed 19439420 (cited by Labcorp Genetics (formerly Invitae), Labcorp); PubMed 21541746 (cited by Labcorp Genetics (formerly Invitae), Labcorp); PubMed 21567895 (cited by Labcorp Genetics (formerly Invitae), Labcorp); PubMed 28039895 (cited by Labcorp Genetics (formerly Invitae), Labcorp); PubMed 21623769 (cited by Labcorp Genetics (formerly Invitae), Labcorp).

NM_004820.5(CYP7B1):c.631_635del (p.Glu211fs)

Gene: CYP7B1 (cytochrome P450 family 7 subfamily B member 1; minus strand). Cytogenetic location: 8q12.3.
Variant type: Deletion.
Coding change: c.631_635del on transcript NM_004820.5 (MANE Select); coding-DNA positions 631 to 635, 5 bases deleted (GAGCT; older notation c.631_635delGAGCT).
Protein change: p.Glu211fs; shifts the reading frame from glutamic acid 211.
Molecular consequence: frameshift variant.
Genome position (GRCh38, 1-based): chr8:64,615,906-64,615,910, AGCTC deleted on the plus strand (GAGCT on the coding strand, the reverse complement: CYP7B1 is on the minus strand); deleting any 5 consecutive bases within chr8:64,615,906-64,615,911 gives the same sequence; the c. name uses the placement nearest the transcript's 3' end. VCF-style (leftmost placement, unchanged base first): chr8-64615905-TAGCTC-T. GRCh37 (hg19) VCF-style: chr8-65528462-TAGCTC-T.
Other names: c.631_635del, p.Glu211fs (NM_001324112.2); c.631_635del (NM_004820.3); short protein forms E211fs.
Identifiers: ClinVar variation 872423 (VCV000872423.45), dbSNP rs1805435464, ClinGen allele CA1139660589.